The following is an entry in ClinVar:

NM_020937.4(FANCM):c.476G>A (p.Gly159Asp)

Gene: FANCM (FA complementation group M; plus strand). Cytogenetic location: 14q21.2.
Variant type: single nucleotide variant.
Coding change: c.476G>A on transcript NM_020937.4 (MANE Select); coding-DNA position 476, G replaced by A.
Protein change: p.Gly159Asp; replaces glycine 159 with aspartic acid.
Molecular consequence: missense variant.
Genome position (GRCh38, 1-based): chr14:45,136,507, G>A. VCF-style: chr14-45136507-G-A. GRCh37 (hg19) VCF-style: chr14-45605710-G-A.
Other names: c.476G>A, p.Gly159Asp (NM_001308133.2, NM_001308134.2); short protein forms G159D.
Identifiers: ClinVar variation 5036628 (VCV005036628.1).
Genomic context (GRCh38, chr14:45,136,507, plus strand): 5'-TCATGGCCCCAACGAAACCCTTGGTGACACAGCAGATCGAGGCTTGCTACCAGGTGATGG[G>A]TATCCCGCAATCCCACATGGCCGAAATGACAGGTATCTTAGACTGGACTAATTTTGAAGT-3'
Protein context (NP_065988.1, residues 149-169): QQIEACYQVM[Gly159Asp]IPQSHMAEMT

ClinVar aggregate classification (germline): Uncertain significance (1 of 4 stars; one submission).

Conditions:
Inborn genetic diseases. Identifiers: MedGen C0950123, MeSH D030342.

gnomAD v4.1: 1 of 1,614,014 alleles (0.000062%); highest among the groups gnomAD compares: Admixed American, 0.0017%; no homozygotes.

Submission:

Ambry Genetics
Classification: Uncertain significance for Inborn genetic diseases. Last evaluated: 2026-07-20. Review status: criteria provided, single submitter. Criteria: Ambry Variant Classification Scheme 2023. Collection method: clinical testing. Allele origin: germline.
Comment: The p.G159D variant (also known as c.476G>A), located in coding exon 1 of the FANCM gene, results from a G to A substitution at nucleotide position 476. The glycine at codon 159 is replaced by aspartic acid, an amino acid with similar properties. This amino acid position is conserved. In addition, the in silico prediction for this alteration is inconclusive. Based on the available evidence, the clinical significance of this variant remains unclear.